The following is an entry in ClinVar:

ClinVar aggregate classification (germline): Pathogenic/Likely pathogenic. Review status: criteria provided, multiple submitters, no conflicts (2 of 4 stars). 7 submissions from 7 submitters: Pathogenic (1); Likely pathogenic (6). Last evaluated 2025-10-23.

Conditions:
CASR-related disorder. Also called: CASR-related condition.
Hypertrophic cardiomyopathy. Also called: HYPERTROPHIC MYOCARDIOPATHY. Identifiers: Orphanet 217569, MedGen C0007194, MeSH D002312, MONDO:0005045, HP:0001639.
Parathyroid gland adenoma. Also called: Parathyroid adenoma. Identifiers: MedGen C0262587, MONDO:0006890, HP:0002897.
Hypercalcemia. Also called: hypercalcaemia. Identifiers: MedGen C0020437, MONDO:0001566, HP:0003072.
Hypocalciuria. Identifiers: MedGen C0020599, HP:0003127.
Neonatal severe primary hyperparathyroidism. Identifiers: Orphanet 417, MedGen C1832615, MONDO:0009397, OMIM 239200.
Familial hypocalciuric hypercalcemia 1. Also called: Hypercalcemia, familial benign type 1. Identifiers: Orphanet 405, Orphanet 93372, MedGen C0342637, MONDO:0007791, OMIM 145980.
Epilepsy, idiopathic generalized, susceptibility to, 8. Identifiers: MedGen C2752062, MONDO:0013032, OMIM 612899.
Autosomal dominant hypocalcemia 1 (HYPOC1). Also called: HYPOCALCEMIA, FAMILIAL. Identifiers: MedGen C3715128, MONDO:0011013, OMIM 601198.
Familial hypocalciuric hypercalcemia (FHH). Also called: Familial benign hypercalcemia. Identifiers: Orphanet 405, MedGen C1809471, MONDO:0018458.

Submissions (7):

Labcorp Genetics (formerly Invitae), Labcorp
Classification: Pathogenic for Familial hypocalciuric hypercalcemia; Autosomal dominant hypocalcemia 1. Last evaluated: 2025-10-23. Review status: criteria provided, single submitter. Criteria: Invitae Variant Classification Sherloc (09022015). Collection method: clinical testing. Allele origin: germline.
Comment: This sequence change replaces valine, which is neutral and non-polar, with isoleucine, which is neutral and non-polar, at codon 817 of the CASR protein (p.Val817Ile). This variant is not present in population databases (gnomAD no frequency). This missense change has been observed in individuals with familial hypocalciuric hypercalcemia (FHH) (PMID: 8675635). Invitae Evidence Modeling of clinical and family history, age, sex, and reported ancestry of multiple individuals with this CASR variant has been performed. This variant is expected to be pathogenic with a positive predictive value of at least 99%. This is a validated machine learning model that incorporates the clinical features of 646,172 individuals referred to our laboratory for CASR testing. ClinVar contains an entry for this variant (Variation ID: 374153). An algorithm developed to predict the effect of missense changes on protein structure and function (PolyPhen-2) suggests that this variant is likely to be disruptive. Experimental studies have shown that this missense change affects CASR function (PMID: 8878438, 17284438, 22798347, 23372019). For these reasons, this variant has been classified as Pathogenic.

Women's Health and Genetics/Laboratory Corporation of America, LabCorp
Classification: Likely pathogenic for Familial hypocalciuric hypercalcemia. Last evaluated: 2025-05-06. Review status: criteria provided, single submitter. Criteria: LabCorp Variant Classification Summary - May 2015. Collection method: clinical testing. Allele origin: germline.
Comment: Variant summary: CASR c.2449G>A (p.Val817Ile) results in a conservative amino acid change located in the receptor calcium binding region (IPR001828) of the encoded protein sequence. Four of five in-silico tools predict a damaging effect of the variant on protein function. The variant was absent in 251330 control chromosomes (gnomAD). c.2449G>A has been reported in the literature in individuals affected with Familial Hypocalciuric Hypercalcemia (examples: Pearce_ 1995 and Vargas-Poussou_ 2016). These data indicate that the variant is likely to be associated with disease. Multiple studies have shown this variant leads to reduced cell surface expression, reduced Ca2+ sensitivity and reduced ERK1/2 phosphorylation compared to wild type (examples: Pearce_1996, Hu_2005, Huang_2007, Leach_2013, White_2018). The following publications have been ascertained in the context of this evaluation (PMID: 8675635, 17284438, 8878438, 15591042, 19389809, 26963950, 23372019). Five submitters have cited clinical-significance assessments for this variant to ClinVar after 2014. All submitters classified the variant as likely pathogenic. Based on the evidence outlined above, the variant was classified as likely pathogenic.

Blueprint Genetics
Classification: Likely pathogenic for CASR-related disorders. Last evaluated: 2023-03-30. Review status: criteria provided, single submitter. Criteria: ACMG Guidelines, 2015. Collection method: clinical testing. Allele origin: germline. Affected: yes. Observed: 1 variant allele.

Fulgent Genetics
Classification: Likely pathogenic for Familial hypocalciuric hypercalcemia 1; Neonatal severe primary hyperparathyroidism; Autosomal dominant hypocalcemia 1; Epilepsy, idiopathic generalized, susceptibility to, 8. Last evaluated: 2022-05-05. Review status: criteria provided, single submitter. Criteria: ACMG Guidelines, 2015. Collection method: clinical testing. Allele origin: unknown.

GeneDx
Classification: Likely pathogenic. Last evaluated: 2021-09-16. Review status: criteria provided, single submitter. Criteria: GeneDx Variant Classification Process June 2021. Collection method: clinical testing. Allele origin: germline. Affected: yes.
Comment: Published functional studies demonstrate V817I showed reduced cell surface expression compared to wild type, as well as reduced Ca2+ potency in intracellular Ca2+ mobilization and reduced ERK1/2 phosphorylation (Leach et al., 2012); Not observed at significant frequency in large population cohorts (Lek et al., 2016); In silico analysis, which includes protein predictors and evolutionary conservation, supports that this variant does not alter protein structure/function; This variant is associated with the following publications: (PMID: 27746744, 19779033, 8675635, 17039419, 24111791, 22798347, 19389809, 8878438, 17284438, 11013439, 11762699, 12890593, 23372019)

Athena Diagnostics
Classification: Likely pathogenic. Last evaluated: 2019-03-04. Review status: criteria provided, single submitter. Criteria: Athena Diagnostics Criteria. Collection method: clinical testing. Allele origin: germline.
Comment: Not found in the total gnomAD dataset, and the data is high quality (0/283120 chr). Found in at least one symptomatic patient. Predicted to have a damaging effect on the protein. Damaging to protein function(s) relevant to disease mechanism.

Centre for Mendelian Genomics, University Medical Centre Ljubljana
Classification: Likely pathogenic for Hypercalcemia; Hypertrophic cardiomyopathy; Hypocalciuria; Parathyroid gland adenoma. Last evaluated: 2015-01-05. Review status: criteria provided, single submitter. Criteria: ACMG Guidelines, 2015. Collection method: clinical testing. Allele origin: unknown. Affected: yes.

Literature cited by the submitters: PubMed 8675635 (cited by 3 submitters); PubMed 8878438 (cited by 3 submitters); PubMed 17284438 (cited by 3 submitters); PubMed 22798347 (cited by Labcorp Genetics (formerly Invitae), Labcorp and Athena Diagnostics); PubMed 23372019 (cited by 3 submitters); PubMed 19389809 (cited by Women's Health and Genetics/Laboratory Corporation of America, LabCorp and Athena Diagnostics); PubMed 26963950 (cited by Women's Health and Genetics/Laboratory Corporation of America, LabCorp); PubMed 15591042 (cited by Women's Health and Genetics/Laboratory Corporation of America, LabCorp); PubMed 19779033 (cited by Athena Diagnostics).

NM_000388.4(CASR):c.2449G>A (p.Val817Ile)

Gene: CASR (calcium sensing receptor; plus strand). Cytogenetic location: 3q21.1.
Variant type: single nucleotide variant.
Coding change: c.2449G>A on transcript NM_000388.4 (MANE Select); coding-DNA position 2449, G replaced by A.
Protein change: p.Val817Ile; replaces valine 817 with isoleucine.
Molecular consequence: missense variant.
Genome position (GRCh38, 1-based): chr3:122,284,403, G>A. VCF-style: chr3-122284403-G-A. GRCh37 (hg19) VCF-style: chr3-122003250-G-A.
Other names: c.2479G>A, p.Val827Ile (NM_001178065.2); short protein forms V817I, V827I.
Identifiers: ClinVar variation 374153 (VCV000374153.17), dbSNP rs1057518933, ClinGen allele CA16043395.
Genomic context (GRCh38, chr3:122,284,403, plus strand): 5'-CTGCCGGAGAACTTCAATGAAGCCAAGTTCATCACCTTCAGCATGCTCATCTTCTTCATC[G>A]TCTGGATCTCCTTCATTCCAGCCTATGCCAGCACCTATGGCAAGTTTGTCTCTGCCGTAG-3'
Protein context (NP_000379.3, residues 807-827): ITFSMLIFFI[Val817Ile]WISFIPAYAS